The following is an entry in ClinVar:

NM_004183.4(BEST1):c.1311G>T (p.Arg437Ser)

Gene: BEST1 (bestrophin 1; plus strand). Cytogenetic location: 11q12.3.
Variant type: single nucleotide variant.
Coding change: c.1311G>T on transcript NM_004183.4 (MANE Select); coding-DNA position 1311, G replaced by T.
Protein change: p.Arg437Ser; replaces arginine 437 with serine.
Molecular consequence: missense variant. On other transcripts: non-coding transcript variant (1).
Genome position (GRCh38, 1-based): chr11:61,962,465, G>T. VCF-style: chr11-61962465-G-T. GRCh37 (hg19) VCF-style: chr11-61729937-G-T.
Other names: c.1131G>T, p.Arg377Ser (NM_001139443.3, NM_001300787.2); c.1050G>T, p.Arg350Ser (NM_001300786.2); c.993G>T, p.Arg331Ser (NM_001363591.3); c.*206G>T (NM_001363592.2); c.339G>T, p.Arg113Ser (NM_001363593.3); short protein forms R113S, R437S, R377S, R331S, R350S.
Identifiers: ClinVar variation 968852 (VCV000968852.8), dbSNP rs760747956, ClinGen allele CA6041036.

ClinVar aggregate classification (germline): Uncertain significance (1 of 4 stars; one submission).

Allele frequency attached by ClinVar (database versions not stated): gnomAD 0.00001; TOPMed 0.00001.
gnomAD v4.1: 8 of 1,614,074 alleles (0.0005%); highest among the groups gnomAD compares: Admixed American, 0.005%; no homozygotes.

Submission:

Labcorp Genetics (formerly Invitae), Labcorp
Classification: Uncertain significance. Last evaluated: 2025-03-17. Review status: criteria provided, single submitter. Criteria: Invitae Variant Classification Sherloc (09022015). Collection method: clinical testing. Allele origin: germline.
Comment: This sequence change replaces arginine, which is basic and polar, with serine, which is neutral and polar, at codon 437 of the BEST1 protein (p.Arg437Ser). This variant is present in population databases (rs760747956, gnomAD 0.006%). This variant has not been reported in the literature in individuals affected with BEST1-related conditions. ClinVar contains an entry for this variant (Variation ID: 968852). An algorithm developed to predict the effect of missense changes on protein structure and function outputs the following: PolyPhen-2: "Benign". The serine amino acid residue is found in multiple mammalian species, which suggests that this missense change does not adversely affect protein function. In summary, the available evidence is currently insufficient to determine the role of this variant in disease. Therefore, it has been classified as a Variant of Uncertain Significance.